The following is an entry in ClinVar:

NM_078480.3(PUF60):c.265G>A (p.Ala89Thr)

Gene: PUF60 (poly(U) binding splicing factor 60; minus strand). Cytogenetic location: 8q24.3.
Variant type: single nucleotide variant.
Coding change: c.265G>A on transcript NM_078480.3 (MANE Select); coding-DNA position 265, G replaced by A.
Protein change: p.Ala89Thr; replaces alanine 89 with threonine.
Molecular consequence: missense variant.
Genome position (GRCh38, 1-based): chr8:143,821,629, C>T on the plus strand (G>A on the coding strand, the complement: PUF60 is on the minus strand). VCF-style: chr8-143821629-C-T. GRCh37 (hg19) VCF-style: chr8-144903799-C-T.
Other names: c.136G>A, p.Ala46Thr (NM_001136033.3, NM_001271100.2); c.262G>A, p.Ala88Thr (NM_001271096.2, NM_001271098.2); c.178G>A, p.Ala60Thr (NM_001271097.2, NM_001271099.2); c.376G>A, p.Ala126Thr (NM_001362895.2, NM_001362896.2, NM_001362897.2); c.265G>A, p.Ala89Thr (NM_014281.5); short protein forms A126T, A46T, A60T, A88T, A89T.
Identifiers: ClinVar variation 1313005 (VCV001313005.2), dbSNP rs2130329633, ClinGen allele CA372495936.
Genomic context (GRCh38, chr8:143,821,629, plus strand): 5'-GGCGGTAGAGGCTCCGGCCGGGGCTCACCTGCAGGTTGGTGAGCTGCTGCTGCTGGTGCG[C>T]GATGGTCTGCTTCACCAGCACACTCTTGATGCTCTGCTCCATGGCGTACTTCTTGGCCTG-3'
Protein context (NP_510965.1, residues 79-99): IKSVLVKQTI[Ala89Thr]HQQQQLTNLQ

ClinVar aggregate classification (germline): Uncertain significance (1 of 4 stars; one submission).

Allele frequency attached by ClinVar (database versions not stated): gnomAD exomes below 0.00001.
gnomAD v4.1: 2 of 1,545,840 alleles (0.00013%); highest among the groups gnomAD compares: Non-Finnish European, 0.00017%; no homozygotes.

Submission:

GeneDx
Classification: Uncertain significance. Last evaluated: 2020-07-07. Review status: criteria provided, single submitter. Criteria: GeneDx Variant Classification Process June 2021. Collection method: clinical testing. Allele origin: germline. Affected: yes.
Comment: Not observed in large population cohorts (Lek et al., 2016); In silico analysis supports that this missense variant has a deleterious effect on protein structure/function; Has not been previously published as pathogenic or benign to our knowledge